The following is an entry in ClinVar:

NM_000718.4(CACNA1B):c.5370C>T (p.His1790=)

Gene: CACNA1B (calcium voltage-gated channel subunit alpha1 B; plus strand). Cytogenetic location: 9q34.3.
Variant type: single nucleotide variant.
Coding change: c.5370C>T on transcript NM_000718.4 (MANE Select); coding-DNA position 5370, C replaced by T.
Protein change: p.His1790=; no amino-acid change (histidine 1790 retained).
Molecular consequence: synonymous variant.
Genome position (GRCh38, 1-based): chr9:138,105,749, C>T. VCF-style: chr9-138105749-C-T. GRCh37 (hg19) VCF-style: chr9-141000201-C-T.
Other names: c.5370C>T, p.His1790= (NM_001243812.2).
Identifiers: ClinVar variation 724211 (VCV000724211.26), dbSNP rs41277877, ClinGen allele CA5377352.

ClinVar aggregate classification (germline): Benign/Likely benign. Review status: criteria provided, multiple submitters, no conflicts (2 of 4 stars). 5 submissions from 5 submitters: Benign (3); Likely benign (2). Last evaluated 2026-05-01.

Allele frequency attached by ClinVar (database versions not stated): gnomAD exomes 0.00073 and 0.00172; 1000 Genomes Project 0.00200; 1000 Genomes Project 30x 0.00234; ESP Exome Variant Server 0.00244; gnomAD 0.00295 and 0.00311; TOPMed 0.00317; ExAC 0.00332.
gnomAD v4.1: 1,575 of 1,568,246 alleles (0.1%); highest among the groups gnomAD compares: African/African-American, 0.74%; 7 homozygotes.

Submissions (5):

CeGaT Center for Human Genetics Tuebingen
Classification: Likely benign. Last evaluated: 2026-05-01. Review status: criteria provided, single submitter. Criteria: CeGaT Center For Human Genetics Tuebingen Variant Classification Criteria Version 2. Collection method: clinical testing. Allele origin: germline. Affected: yes. Observed: 3 variant alleles.
Comment: CACNA1B: BP4, BS2

Labcorp Genetics (formerly Invitae), Labcorp
Classification: Benign. Last evaluated: 2026-02-03. Review status: criteria provided, single submitter. Criteria: Invitae Variant Classification Sherloc (09022015). Collection method: clinical testing. Allele origin: germline.

Blueprint Genetics
Classification: Likely benign. Last evaluated: 2024-10-11. Review status: criteria provided, single submitter. Criteria: ACMG Guidelines, 2015. Collection method: clinical testing. Allele origin: germline.

GeneDx
Classification: Benign. Last evaluated: 2021-06-21. Review status: criteria provided, single submitter. Criteria: GeneDx Variant Classification Process June 2021. Collection method: clinical testing. Allele origin: germline. Affected: yes.

Breakthrough Genomics
Classification: Benign. Review status: criteria provided, single submitter. Criteria: ACMG Guidelines, 2015. Collection method: not provided. Allele origin: germline. Inheritance: Autosomal recessive inheritance. Affected: yes.